The following is an entry in ClinVar:

ClinVar aggregate classification (germline): Uncertain significance (1 of 4 stars; one submission).

Conditions:
Inborn genetic diseases. Identifiers: MedGen C0950123, MeSH D030342.

Allele frequency attached by ClinVar (database versions not stated): gnomAD exomes below 0.00001.
gnomAD v4.1: 2 of 1,613,760 alleles (0.00012%); highest among the groups gnomAD compares: South Asian, 0.0022%; no homozygotes.

Submission:

Ambry Genetics
Classification: Uncertain significance for Inborn genetic diseases. Last evaluated: 2019-11-27. Review status: criteria provided, single submitter. Criteria: Ambry Variant Classification Scheme 2023. Collection method: clinical testing. Allele origin: germline.
Comment: The c.1498+3A>C intronic variant results from an A to C substitution 3 nucleotides after coding exon 9 in the CNTNAP2 gene. This nucleotide position is well conserved in available vertebrate species. Using two different splice site prediction tools, this alteration is predicted by ESEfinder to abolish the native splice donor site, but is predicted to weaken (but not abolish) the efficiency of the native splice donor site by BDGP; however, direct evidence is unavailable. Since supporting evidence is limited at this time, the clinical significance of this alteration remains unclear.

NM_014141.6(CNTNAP2):c.1498+3A>C

Gene: CNTNAP2 (contactin associated protein 2; plus strand). Cytogenetic location: 7q35.
Variant type: single nucleotide variant.
Coding change: c.1498+3A>C on transcript NM_014141.6 (MANE Select); 3 bases into the intron after coding-DNA position 1498, A replaced by C.
Molecular consequence: intron variant.
Genome position (GRCh38, 1-based): chr7:147,300,293, A>C. VCF-style: chr7-147300293-A-C. GRCh37 (hg19) VCF-style: chr7-146997385-A-C.
Identifiers: ClinVar variation 1773916 (VCV001773916.2), dbSNP rs2485770730, ClinGen allele CA2580077651.
Genomic context (GRCh38, chr7:147,300,293, plus strand): 5'-GCAGTTCGAACTAATAGTCCCCTTCAAGTTAAAACTGGCGAGAAGTACTTTTTTGGAGGT[A>C]AGAATGCCATTCCTTTTTGGTTACTAATCCATTGCAAAAAATGAGGTTTCAAAATGAAGT-3'